The following is an entry in ClinVar:

ClinVar aggregate classification (germline): Uncertain significance. Review status: criteria provided, multiple submitters, no conflicts (2 of 4 stars). 6 submissions from 6 submitters: Uncertain significance (6). Last evaluated 2025-10-02.

Conditions:
Cardiovascular phenotype. Identifiers: MedGen CN230736.
Cardiomyopathy (CMYO). Also called: Cardiomyopathies. Identifiers: Orphanet 167848, MedGen C0878544, MONDO:0004994, HP:0001638. Inheritance: Various modes of inheritance.
Hypertrophic cardiomyopathy 1 (CMH1). Also called: MYH7-Related Familial Hypertrophic Cardiomyopathy; Familial hypertrophic cardiomyopathy 1. Identifiers: MedGen C3495498, MONDO:0008647, OMIM 192600.
Hypertrophic cardiomyopathy. Also called: HYPERTROPHIC MYOCARDIOPATHY. Identifiers: Orphanet 217569, MedGen C0007194, MeSH D002312, MONDO:0005045, HP:0001639.

Allele frequency attached by ClinVar (database versions not stated): TOPMed 0.00002; gnomAD 0.00003; ESP Exome Variant Server 0.00008.
gnomAD v4.1: 20 of 1,613,976 alleles (0.0012%); highest among the groups gnomAD compares: African/African-American, 0.0027%; no homozygotes.

Submissions (6):

Labcorp Genetics (formerly Invitae), Labcorp
Classification: Uncertain significance for Hypertrophic cardiomyopathy. Last evaluated: 2025-10-02. Review status: criteria provided, single submitter. Criteria: Invitae Variant Classification Sherloc (09022015). Collection method: clinical testing. Allele origin: germline.
Comment: This sequence change replaces arginine, which is basic and polar, with cysteine, which is neutral and slightly polar, at codon 31 of the MYL3 protein (p.Arg31Cys). This variant is present in population databases (rs377026344, gnomAD 0.006%). This variant has not been reported in the literature in individuals affected with MYL3-related conditions. ClinVar contains an entry for this variant (Variation ID: 43131). Experimental studies and prediction algorithms are not available or were not evaluated, and the functional significance of this variant is currently unknown. In summary, the available evidence is currently insufficient to determine the role of this variant in disease. Therefore, it has been classified as a Variant of Uncertain Significance.

Color Diagnostics, LLC DBA Color Health
Classification: Uncertain significance for Cardiomyopathy. Last evaluated: 2024-04-11. Review status: criteria provided, single submitter. Criteria: ACMG Guidelines, 2015. Collection method: clinical testing. Allele origin: germline.
Comment: This missense variant replaces arginine with cysteine at codon 31 of the MYL3 protein. Computational prediction suggests that this variant may not impact protein structure and function. To our knowledge, functional studies have not been reported for this variant. This variant has not been reported in individuals affected with MYL3-related disorders in the literature. This variant has been identified in 4/250322 chromosomes in the general population by the Genome Aggregation Database (gnomAD). The available evidence is insufficient to determine the role of this variant in disease conclusively. Therefore, this variant is classified as a Variant of Uncertain Significance.

Ambry Genetics
Classification: Uncertain significance for Cardiovascular phenotype. Last evaluated: 2022-11-28. Review status: criteria provided, single submitter. Criteria: Ambry Variant Classification Scheme 2023. Collection method: clinical testing. Allele origin: germline.

GeneDx
Classification: Uncertain significance. Last evaluated: 2020-09-11. Review status: criteria provided, single submitter. Criteria: GeneDx Variant Classification Process June 2021. Collection method: clinical testing. Allele origin: germline. Affected: yes.
Comment: Reported in ClinVar as a variant of uncertain significance (ClinVar Variant ID# 43131; Landrum et al., 2016); In silico analysis, which includes protein predictors and evolutionary conservation, supports a deleterious effect; Not observed at a significant frequency in large population cohorts (Lek et al., 2016); This variant is associated with the following publications: (PMID: 27600370)

Molecular Diagnostic Laboratory for Inherited Cardiovascular Disease, Montreal Heart Institute
Classification: Uncertain significance for Hypertrophic cardiomyopathy 1. Last evaluated: 2019-12-09. Review status: criteria provided, single submitter. Criteria: ACMG Guidelines, 2015. Collection method: clinical testing. Allele origin: germline. Affected: yes.

Laboratory for Molecular Medicine, Mass General Brigham Personalized Medicine
Classification: Uncertain significance. Last evaluated: 2012-07-10. Review status: criteria provided, single submitter. Criteria: LMM Criteria. Collection method: clinical testing. Allele origin: germline. Observed: 1 variant allele.
Comment: The Arg31Cys variant has been identified in 1/8600 European American chromosomes from a broad population by the NHLBI Exome Sequencing Project, though it cannot be ruled out that the individual was presymp tomatic. Computational analyses (biochemical amino acid properties, conservation , AlignGVGD, PolyPhen2, and SIFT) suggest that this variant may not impact the p rotein, though this information is not predictive enough to rule out pathogenici ty. Additional information is needed to fully assess the clinical significance o f the Arg31Cys variant.

NM_000258.3(MYL3):c.91C>T (p.Arg31Cys)

Gene: MYL3 (myosin light chain 3; minus strand). Cytogenetic location: 3p21.31.
Variant type: single nucleotide variant.
Coding change: c.91C>T on transcript NM_000258.3 (MANE Select); coding-DNA position 91, C replaced by T.
Protein change: p.Arg31Cys; replaces arginine 31 with cysteine.
Molecular consequence: missense variant.
Genome position (GRCh38, 1-based): chr3:46,863,300, G>A on the plus strand (C>T on the coding strand, the complement: MYL3 is on the minus strand). VCF-style: chr3-46863300-G-A. GRCh37 (hg19) VCF-style: chr3-46904790-G-A.
Other names: p.R31C:CGC>TGC; short protein forms R31C.
Identifiers: ClinVar variation 43131 (VCV000043131.20), dbSNP rs377026344, ClinGen allele CA014106.